The following is an entry in ClinVar:

ClinVar aggregate classification (germline): Uncertain significance (1 of 4 stars; one submission).

Conditions:
IFT74-related disorder. Also called: IFT74-related condition; IFT74-Related Disorders.

gnomAD v4.1: 6 of 1,569,694 alleles (0.00038%); highest among the groups gnomAD compares: African/African-American, 0.0082%; no homozygotes.

Submission:

PreventionGenetics, part of Exact Sciences
Classification: Uncertain significance for IFT74-related condition. Last evaluated: 2025-08-18. Review status: criteria provided, single submitter. Criteria: ACMG Guidelines, 2015. Collection method: clinical testing. Allele origin: germline.
Comment: The IFT74 c.333A>C variant is predicted to result in the amino acid substitution p.Glu111Asp. To our knowledge, this variant has not been reported in the literature. This variant is reported in 0.0085% of alleles in individuals of African descent in gnomAD. At this time, the clinical significance of this variant is uncertain due to the absence of conclusive functional and genetic evidence.

NM_025103.4(IFT74):c.333A>C (p.Glu111Asp)

Gene: IFT74 (intraflagellar transport 74; plus strand). Cytogenetic location: 9p21.2.
Variant type: single nucleotide variant.
Coding change: c.333A>C on transcript NM_025103.4 (MANE Select); coding-DNA position 333, A replaced by C.
Protein change: p.Glu111Asp; replaces glutamic acid 111 with aspartic acid.
Molecular consequence: missense variant.
Genome position (GRCh38, 1-based): chr9:26,984,284, A>C. VCF-style: chr9-26984284-A-C. GRCh37 (hg19) VCF-style: chr9-26984282-A-C.
Other names: c.333A>C, p.Glu111Asp (NM_001099222.3, NM_001099223.3, NM_001099224.3 and 1 more transcripts); short protein forms E111D.
Identifiers: ClinVar variation 4997162 (VCV004997162.1).